The following is an entry in ClinVar:

NM_006009.4(TUBA1A):c.413T>C (p.Phe138Ser)

Gene: TUBA1A (tubulin alpha 1a; minus strand). Cytogenetic location: 12q13.12.
Variant type: single nucleotide variant.
Coding change: c.413T>C on transcript NM_006009.4 (MANE Select); coding-DNA position 413, T replaced by C.
Protein change: p.Phe138Ser; replaces phenylalanine 138 with serine.
Molecular consequence: missense variant.
Genome position (GRCh38, 1-based): chr12:49,185,953, A>G on the plus strand (T>C on the coding strand, the complement: TUBA1A is on the minus strand). VCF-style: chr12-49185953-A-G. GRCh37 (hg19) VCF-style: chr12-49579736-A-G.
Other names: c.413T>C, p.Phe138Ser (NM_001270399.2); c.308T>C, p.Phe103Ser (NM_001270400.2); short protein forms F138S, F103S.
Identifiers: ClinVar variation 2717477 (VCV002717477.3), dbSNP rs2498861285, ClinGen allele CA384642728.

ClinVar aggregate classification (germline): Likely pathogenic (1 of 4 stars; one submission).

Submission:

Labcorp Genetics (formerly Invitae), Labcorp
Classification: Likely pathogenic. Last evaluated: 2023-08-21. Review status: criteria provided, single submitter. Criteria: Invitae Variant Classification Sherloc (09022015). Collection method: clinical testing. Allele origin: germline.
Comment: In summary, the currently available evidence indicates that the variant is pathogenic, but additional data are needed to prove that conclusively. Therefore, this variant has been classified as Likely Pathogenic. Advanced modeling of protein sequence and biophysical properties (such as structural, functional, and spatial information, amino acid conservation, physicochemical variation, residue mobility, and thermodynamic stability) has been performed at Invitae for this missense variant, however the output from this modeling did not meet the statistical confidence thresholds required to predict the impact of this variant on TUBA1A protein function. This missense change has been observed in individual(s) with cortical malformations (Invitae). In at least one individual the variant was observed to be de novo. This variant is not present in population databases (gnomAD no frequency). This sequence change replaces phenylalanine, which is neutral and non-polar, with serine, which is neutral and polar, at codon 138 of the TUBA1A protein (p.Phe138Ser).